The following is an entry in ClinVar:

ClinVar aggregate classification (germline): Uncertain significance (1 of 4 stars; one submission).

Conditions:
Early-infantile DEE. Also called: Early infantile epileptic encephalopathy; Ohtahara syndrome; Early infantile epileptic encephalopathy with suppression bursts. Identifiers: Orphanet 1934, MedGen C0393706, MONDO:0800491.

Submission:

Labcorp Genetics (formerly Invitae), Labcorp
Classification: Uncertain significance for Early-infantile DEE. Last evaluated: 2019-06-05. Review status: criteria provided, single submitter. Criteria: Invitae Variant Classification Sherloc (09022015). Collection method: clinical testing. Allele origin: germline.
Comment: In summary, the available evidence is currently insufficient to determine the role of this variant in disease. Therefore, it has been classified as a Variant of Uncertain Significance. Algorithms developed to predict the effect of missense changes on protein structure and function are either unavailable or do not agree on the potential impact of this missense change (SIFT: "Deleterious"; PolyPhen-2: "Probably Damaging"; Align-GVGD: "Class C0"). This variant has not been reported in the literature in individuals with SCN8A-related conditions. This variant is not present in population databases (ExAC no frequency). This sequence change replaces asparagine with histidine at codon 870 of the SCN8A protein (p.Asn870His). The asparagine residue is highly conserved and there is a small physicochemical difference between asparagine and histidine.

NM_001330260.2(SCN8A):c.2608A>C (p.Asn870His)

Gene: SCN8A (sodium voltage-gated channel alpha subunit 8; plus strand). Cytogenetic location: 12q13.13.
Variant type: single nucleotide variant.
Coding change: c.2608A>C on transcript NM_001330260.2 (MANE Select); coding-DNA position 2608, A replaced by C.
Protein change: p.Asn870His; replaces asparagine 870 with histidine.
Molecular consequence: missense variant.
Genome position (GRCh38, 1-based): chr12:51,765,734, A>C. VCF-style: chr12-51765734-A-C. GRCh37 (hg19) VCF-style: chr12-52159518-A-C.
Other names: c.2608A>C, p.Asn870His (NM_001177984.3, NM_001369788.1, NM_014191.4); short protein forms N870H.
Identifiers: ClinVar variation 944317 (VCV000944317.10), dbSNP rs1942828379, ClinGen allele CA384887104.